The following is an entry in ClinVar:

NM_019892.6(INPP5E):c.1533C>A (p.Ile511=)

Gene: INPP5E (inositol polyphosphate-5-phosphatase E; minus strand). Cytogenetic location: 9q34.3.
Variant type: single nucleotide variant.
Coding change: c.1533C>A on transcript NM_019892.6 (MANE Select); coding-DNA position 1533, C replaced by A.
Protein change: p.Ile511=; no amino-acid change (isoleucine 511 retained).
Molecular consequence: synonymous variant.
Genome position (GRCh38, 1-based): chr9:136,431,840, G>T on the plus strand (C>A on the coding strand, the complement: INPP5E is on the minus strand). VCF-style: chr9-136431840-G-T. GRCh37 (hg19) VCF-style: chr9-139326292-G-T.
Other names: c.1530C>A, p.Ile510= (NM_001318502.2).
Identifiers: ClinVar variation 3353877 (VCV003353877.1).

ClinVar aggregate classification (germline): Likely benign (0 of 4 stars; one submission).

Conditions:
INPP5E-related disorder. Also called: INPP5E-related condition.

Submission:

PreventionGenetics, part of Exact Sciences
Classification: Likely benign for INPP5E-related condition. Last evaluated: 2024-04-06. Review status: no assertion criteria provided. Collection method: clinical testing. Allele origin: germline.
Comment: This variant is classified as likely benign based on ACMG/AMP sequence variant interpretation guidelines (Richards et al. 2015 PMID: 25741868, with internal and published modifications).